The following is an entry in ClinVar:

NM_000497.4(CYP11B1):c.736C>T (p.Arg246Cys)

Genes: CYP11B1 (cytochrome P450 family 11 subfamily B member 1; minus strand), LOC106799833 (CYP11B1 recombination region; plus strand). Cytogenetic location: 8q24.3.
Variant type: single nucleotide variant.
Coding change: c.736C>T on transcript NM_000497.4 (MANE Select); coding-DNA position 736, C replaced by T.
Protein change: p.Arg246Cys; replaces arginine 246 with cysteine.
Molecular consequence: missense variant.
Genome position (GRCh38, 1-based): chr8:142,876,745, G>A on the plus strand (C>T on the coding strand, the complement: CYP11B1 is on the minus strand). VCF-style: chr8-142876745-G-A. GRCh37 (hg19) VCF-style: chr8-143958161-G-A.
Other names: c.736C>T, p.Arg246Cys (NM_001026213.1); short protein forms R246C.
Identifiers: ClinVar variation 910171 (VCV000910171.6), dbSNP rs777913851, ClinGen allele CA4905329.

ClinVar aggregate classification (germline): Conflicting classifications of pathogenicity. Review status: criteria provided, conflicting classifications (1 of 4 stars). 4 submissions from 3 submitters: Uncertain significance (3); Benign (1). Last evaluated 2025-04-20.

Conditions:
Glucocorticoid-remediable aldosteronism. Also called: Hyperaldosteronism, familial, type I; ACTH-DEPENDENT HYPERALDOSTERONISM SYNDROME; ALDOSTERONISM, SENSITIVE TO DEXAMETHASONE; FH I; GLUCOCORTICOID-SUPPRESSIBLE HYPERALDOSTERONISM. Identifiers: Orphanet 403, MedGen C3838731, MONDO:0007080, OMIM 103900.
Deficiency of steroid 11-beta-monooxygenase (CYP11B1). Also called: ADRENAL HYPERPLASIA, CONGENITAL, DUE TO STEROID 11-BETA-HYDROXYLASE DEFICIENCY; 11-BETA-HYDROXYLASE DEFICIENCY; P450C11B1 DEFICIENCY; STEROID 11-BETA-HYDROXYLASE DEFICIENCY; Congenital adrenal hyperplasia due to 11-beta-hydroxylase deficiency; ADRENAL HYPERPLASIA IV. Identifiers: Orphanet 90795, MedGen C0268292, MONDO:0008729, OMIM 202010. Disease mechanism: loss of function.
Inborn genetic diseases. Identifiers: MedGen C0950123, MeSH D030342.

Allele frequency attached by ClinVar (database versions not stated): gnomAD 0.00001; TOPMed 0.00002; ExAC 0.00003; gnomAD exomes 0.00004 and 0.00007.
gnomAD v4.1: 100 of 1,614,078 alleles (0.0062%); highest among the groups gnomAD compares: Admixed American, 0.012%; no homozygotes.

Submissions (4):

Ambry Genetics
Classification: Uncertain significance for Inborn genetic diseases. Last evaluated: 2025-04-20. Review status: criteria provided, single submitter. Criteria: Ambry Variant Classification Scheme 2023. Collection method: clinical testing. Allele origin: germline.

Fulgent Genetics
Classification: Uncertain significance for Glucocorticoid-remediable aldosteronism; Deficiency of steroid 11-beta-monooxygenase. Last evaluated: 2024-02-23. Review status: criteria provided, single submitter. Criteria: ACMG Guidelines, 2015. Collection method: clinical testing. Allele origin: germline.

Illumina Laboratory Services, Illumina
Classification: Benign for Glucocorticoid-remediable aldosteronism. Last evaluated: 2018-01-13. Review status: criteria provided, single submitter. Criteria: ICSL Variant Classification Criteria 13 December 2019. Collection method: clinical testing. Allele origin: germline.
Comment: This variant was observed in the ICSL laboratory as part of a predisposition screen in an ostensibly healthy population. It had not been previously curated by ICSL or reported in the Human Gene Mutation Database (HGMD: prior to June 1st, 2018), and was therefore a candidate for classification through an automated scoring system. Utilizing variant allele frequency, disease prevalence and penetrance estimates, and inheritance mode, an automated score was calculated to assess if this variant is too frequent to cause the disease. Based on the score and internal cut-off values, a variant classified as benign is not then subjected to further curation. The score for this variant resulted in a classification of benign for this disease.

Illumina Laboratory Services, Illumina
Classification: Uncertain significance for Deficiency of steroid 11-beta-monooxygenase. Last evaluated: 2018-01-13. Review status: criteria provided, single submitter. Criteria: ICSL Variant Classification Criteria 13 December 2019. Collection method: clinical testing. Allele origin: germline.